The following is an entry in ClinVar:

ClinVar aggregate classification (germline): Conflicting classifications of pathogenicity. Review status: criteria provided, conflicting classifications (1 of 4 stars). 2 submissions from 2 submitters: Uncertain significance (1); Likely benign (1). Last evaluated 2023-06-16.

Allele frequency attached by ClinVar (database versions not stated): TOPMed 0.00007; gnomAD 0.00008; gnomAD exomes 0.00006.
gnomAD v4.1: 95 of 1,551,616 alleles (0.0061%); highest among the groups gnomAD compares: Admixed American, 0.035%; no homozygotes.

Submissions (2):

Labcorp Genetics (formerly Invitae), Labcorp
Classification: Uncertain significance. Last evaluated: 2023-06-16. Review status: criteria provided, single submitter. Criteria: Invitae Variant Classification Sherloc (09022015). Collection method: clinical testing. Allele origin: germline.
Comment: In summary, the available evidence is currently insufficient to determine the role of this variant in disease. Therefore, it has been classified as a Variant of Uncertain Significance. Algorithms developed to predict the effect of missense changes on protein structure and function output the following: SIFT: "Not Available"; PolyPhen-2: "Benign"; Align-GVGD: "Not Available". The histidine amino acid residue is found in multiple mammalian species, which suggests that this missense change does not adversely affect protein function. ClinVar contains an entry for this variant (Variation ID: 2396326). This variant has not been reported in the literature in individuals affected with WDR87-related conditions. This variant is present in population databases (rs760886366, gnomAD 0.03%). This sequence change replaces arginine, which is basic and polar, with histidine, which is basic and polar, at codon 1232 of the WDR87 protein (p.Arg1232His).

Ambry Genetics
Classification: Likely benign. Last evaluated: 2022-01-10. Review status: criteria provided, single submitter. Criteria: Ambry Variant Classification Scheme 2023. Collection method: clinical testing. Allele origin: germline.

NM_001291088.2(WDR87):c.3812G>A (p.Arg1271His)

Gene: WDR87 (WD repeat domain 87; minus strand). Cytogenetic location: 19q13.13.
Variant type: single nucleotide variant.
Coding change: c.3812G>A on transcript NM_001291088.2 (MANE Select); coding-DNA position 3812, G replaced by A.
Protein change: p.Arg1271His; replaces arginine 1271 with histidine.
Molecular consequence: missense variant.
Genome position (GRCh38, 1-based): chr19:37,889,859, C>T on the plus strand (G>A on the coding strand, the complement: WDR87 is on the minus strand). VCF-style: chr19-37889859-C-T. GRCh37 (hg19) VCF-style: chr19-38380499-C-T.
Other names: c.3695G>A, p.Arg1232His (NM_031951.5); short protein forms R1232H, R1271H.
Identifiers: ClinVar variation 2396326 (VCV002396326.5), dbSNP rs760886366, ClinGen allele CA308022729.